The following is an entry in ClinVar:

NC_000011.9:g.(?_17482025)_(17498513_?)del

Gene: ABCC8 (ATP binding cassette subfamily C member 8; minus strand). Cytogenetic location: 11p15.1.
Variant type: Deletion.
Identifiers: ClinVar variation 1459054 (VCV001459054.3).

ClinVar aggregate classification (germline): Pathogenic (1 of 4 stars; one submission).

Submission:

Labcorp Genetics (formerly Invitae), Labcorp
Classification: Pathogenic. Last evaluated: 2021-05-27. Review status: criteria provided, single submitter. Criteria: Invitae Variant Classification Sherloc (09022015). Collection method: clinical testing. Allele origin: germline.
Comment: This variant is a gross deletion of the genomic region encompassing exon(s) 1-6 of the ABCC8 gene, which includes the initiator codon. The 5' end of this event is unknown as it extends beyond the assayed region for this gene and therefore may encompass additional genes. The 3' boundary is likely confined to intron 6 of the ABCC8 gene. It is expected to result in an absent or disrupted protein product. Loss-of-function variants in ABCC8 are known to be pathogenic (PMID: 20685672, 23345197). This variant has not been reported in the literature in individuals with ABCC8-related conditions. For these reasons, this variant has been classified as Pathogenic.

Literature cited by the submitters: PubMed 20685672; PubMed 23345197.